The following is an entry in ClinVar:

NM_005612.5(REST):c.2182C>G (p.Pro728Ala)

Gene: REST (RE1 silencing transcription factor; plus strand). Cytogenetic location: 4q12.
Variant type: single nucleotide variant.
Coding change: c.2182C>G on transcript NM_005612.5 (MANE Select); coding-DNA position 2182, C replaced by G.
Protein change: p.Pro728Ala; replaces proline 728 with alanine.
Molecular consequence: missense variant.
Genome position (GRCh38, 1-based): chr4:56,931,040, C>G. VCF-style: chr4-56931040-C-G. GRCh37 (hg19) VCF-style: chr4-57797206-C-G.
Other names: c.2182C>G, p.Pro728Ala (NM_001193508.2, NM_001363453.3); short protein forms P728A.
Identifiers: ClinVar variation 1055432 (VCV001055432.9), dbSNP rs572960260, ClinGen allele CA357008256.

ClinVar aggregate classification (germline): Uncertain significance (1 of 4 stars; one submission).

Submission:

Labcorp Genetics (formerly Invitae), Labcorp
Classification: Uncertain significance. Last evaluated: 2021-04-23. Review status: criteria provided, single submitter. Criteria: Invitae Variant Classification Sherloc (09022015). Collection method: clinical testing. Allele origin: germline.
Comment: This variant is not present in population databases (ExAC no frequency). This sequence change replaces proline with alanine at codon 728 of the REST protein (p.Pro728Ala). The proline residue is moderately conserved and there is a small physicochemical difference between proline and alanine. This variant has not been reported in the literature in individuals with REST-related conditions. In summary, the available evidence is currently insufficient to determine the role of this variant in disease. Therefore, it has been classified as a Variant of Uncertain Significance. Algorithms developed to predict the effect of missense changes on protein structure and function (SIFT, PolyPhen-2, Align-GVGD) all suggest that this variant is likely to be tolerated, but these predictions have not been confirmed by published functional studies and their clinical significance is uncertain.